The following is an entry in ClinVar:

NM_001375524.1(TRRAP):c.4473+6_4473+7insTTATATCTACTGATGGACAGATAAGGTAGAGATTGCATTATGTAGAGAGAGATATTGCAGGTATGGATACATTGTGTGTGATACAGTGTATCACAGTGCACAGATACATTGTATTTATCTACACATGGAATGTAGAGAAATCTCTCATATATGAAA

Gene: TRRAP (transformation/transcription domain associated protein; plus strand). Cytogenetic location: 7q22.1.
Variant type: Insertion.
Coding change: c.4473+6_4473+7insTTATATCTACTGATGGACAGATAAGGTAGAGATTGCATTATGTAGAGAGAGATATTGCAGGTATGGATACATTGTGTGTGATACAGTGTATCACAGTGCACAGATACATTGTATTTATCTACACATGGAATGTAGAGAAATCTCTCATATATGAAA on transcript NM_001375524.1 (MANE Select); bases 6 to 7 of the intron after coding-DNA position 4473, TTATATCTACTGATGGACAGATAAGGTAGAGATTGCATTATGTAGAGAGAGATATTGCAGGTATGGATACATTGTGTGTGATACAGTGTATCACAGTGCACAGATACATTGTATTTATCTACACATGGAATGTAGAGAAATCTCTCATATATGAAA inserted.
Molecular consequence: intron variant.
Genome position: GRCh38: chr7:98,943,023-98,943,024. GRCh37 (hg19): chr7:98,540,646-98,540,647.
Other names: c.4473+6_4473+7insTTATATCTACTGATGGACAGATAAGGTAGAGATTGCATTATGTAGAGAGAGATATTGCAGGTATGGATACATTGTGTGTGATACAGTGTATCACAGTGCACAGATACATTGTATTTATCTACACATGGAATGTAGAGAAATCTCTCATATATGAAA (NM_001244580.2, NM_003496.4).
Identifiers: ClinVar variation 4813403 (VCV004813403.1).

ClinVar aggregate classification (germline): Uncertain significance (1 of 4 stars; one submission).

Submission:

GeneDx
Classification: Uncertain significance. Last evaluated: 2025-09-11. Review status: criteria provided, single submitter. Criteria: GeneDx Variant Classification Process June 2021. Collection method: clinical testing. Allele origin: germline. Affected: yes.
Comment: Not observed at significant frequency in large population cohorts (gnomAD); Has not been previously published as pathogenic or benign to our knowledge; In silico analysis suggests this variant may impact gene splicing. In the absence of RNA/functional studies, the actual effect of this sequence change is unknown.